The following is an entry in ClinVar:

ClinVar aggregate classification (germline): Pathogenic (1 of 4 stars; one submission).

Conditions:
Hereditary cancer-predisposing syndrome. Also called: Tumor predisposition; Hereditary neoplastic syndrome; Neoplastic Syndromes, Hereditary; Hereditary Cancer Syndrome. Identifiers: Orphanet 140162, MedGen C0027672, MeSH D009386, MONDO:0015356.

Submission:

Labcorp Genetics (formerly Invitae), Labcorp
Classification: Pathogenic for Hereditary cancer-predisposing syndrome. Last evaluated: 2021-10-18. Review status: criteria provided, single submitter. Criteria: Invitae Variant Classification Sherloc (09022015). Collection method: clinical testing. Allele origin: germline.
Comment: This sequence change creates a premature translational stop signal (p.Met502Trpfs*3) in the RAD50 gene. It is expected to result in an absent or disrupted protein product. This variant is not present in population databases (ExAC no frequency). This variant has not been reported in the literature in individuals with RAD50-related conditions. Loss-of-function variants in RAD50 are known to be pathogenic (PMID: 16385572, 19409520). For these reasons, this variant has been classified as Pathogenic.

Literature cited by the submitters: PubMed 16385572; PubMed 19409520.

NM_005732.4(RAD50):c.1504del (p.Met502fs)

Gene: RAD50 (RAD50 double strand break repair protein; plus strand). Cytogenetic location: 5q31.1.
Variant type: Deletion.
Coding change: c.1504del on transcript NM_005732.4 (MANE Select); coding-DNA position 1504, one base deleted (A; older notation c.1504delA).
Protein change: p.Met502fs; shifts the reading frame from methionine 502.
Molecular consequence: frameshift variant.
Genome position (GRCh38, 1-based): chr5:132,591,275, A deleted; the last of 5 consecutive A bases (chr5:132,591,271-132,591,275); deleting any one gives the same sequence. VCF-style (leftmost placement, unchanged base first): chr5-132591270-TA-T. GRCh37 (hg19) VCF-style: chr5-131926962-TA-T.
Other names: short protein forms M502fs.
Identifiers: ClinVar variation 1076420 (VCV001076420.7), dbSNP rs2149842173, ClinGen allele CA2499217576.
Genomic context (GRCh38, chr5:132,591,270, plus strand): 5'-GAATTATTGACTAGGAACGTGAGTTAAGCAAGGCTGAGAAAAACAGCAATGTAGAAACCT[TA>T]AAAATGGAAGTAATAAGTCTCCAAAATGAAAAAGCAGACTTAGACAGGACCCTGCGTAAA-3'